The following is an entry in ClinVar:

NM_000237.3(LPL):c.1237T>G (p.Ser413Ala)

Gene: LPL (lipoprotein lipase; plus strand). Cytogenetic location: 8p21.3.
Variant type: single nucleotide variant.
Coding change: c.1237T>G on transcript NM_000237.3 (MANE Select); coding-DNA position 1237, T replaced by G.
Protein change: p.Ser413Ala; replaces serine 413 with alanine.
Molecular consequence: missense variant.
Genome position (GRCh38, 1-based): chr8:19,960,998, T>G. VCF-style: chr8-19960998-T-G. GRCh37 (hg19) VCF-style: chr8-19818509-T-G.
Other names: p.Ser413Ala; short protein forms S413A.
Identifiers: ClinVar variation 4541347 (VCV004541347.1).

ClinVar aggregate classification (germline): Uncertain significance (1 of 4 stars; one submission).

Submission:

Mayo Clinic Laboratories, Mayo Clinic
Classification: Uncertain significance. Last evaluated: 2025-11-01. Review status: criteria provided, single submitter. Criteria: ACMG Guidelines, 2015. Collection method: clinical testing. Allele origin: germline. Observed: 1 variant allele.
Comment: BP4_moderate, PM2_supporting